The following is an entry in ClinVar:

NM_018319.4(TDP1):c.1767A>G (p.Ile589Met)

Gene: TDP1 (tyrosyl-DNA phosphodiesterase 1; plus strand). Cytogenetic location: 14q32.11.
Variant type: single nucleotide variant.
Coding change: c.1767A>G on transcript NM_018319.4 (MANE Select); coding-DNA position 1767, A replaced by G.
Protein change: p.Ile589Met; replaces isoleucine 589 with methionine.
Molecular consequence: missense variant.
Genome position (GRCh38, 1-based): chr14:90,043,083, A>G. VCF-style: chr14-90043083-A-G. GRCh37 (hg19) VCF-style: chr14-90509427-A-G.
Other names: c.1767A>G, p.Ile589Met (NM_001008744.2); c.1658A>G, p.Tyr553Cys (NM_001330205.2); short protein forms I589M, Y553C.
Identifiers: ClinVar variation 3571853 (VCV003571853.2).

ClinVar aggregate classification (germline): Uncertain significance. Review status: criteria provided, multiple submitters, no conflicts (2 of 4 stars). 2 submissions from 2 submitters: Uncertain significance (2). Last evaluated 2025-08-24.

gnomAD v4.1: 5 of 1,614,186 alleles (0.00031%); highest among the groups gnomAD compares: South Asian, 0.0033%; no homozygotes.

Submissions (2):

Ambry Genetics
Classification: Uncertain significance. Last evaluated: 2025-08-24. Review status: criteria provided, single submitter. Criteria: Ambry Variant Classification Scheme 2023. Collection method: clinical testing. Allele origin: germline.

Athena Diagnostics
Classification: Uncertain significance. Last evaluated: 2024-09-26. Review status: criteria provided, single submitter. Criteria: Athena Diagnostics Criteria. Collection method: clinical testing. Allele origin: unknown.
Comment: Available data are insufficient to determine the clinical significance of the variant at this time. The frequency of this variant in the general population is uninformative in assessment of its pathogenicity. Polyphen and MutationTaster yielded discordant predictions regarding whether this amino acid change is damaging to the protein.